The following is an entry in ClinVar:

NM_006514.4(SCN10A):c.1397T>A (p.Val466Glu)

Gene: SCN10A (sodium voltage-gated channel alpha subunit 10; minus strand). Cytogenetic location: 3p22.2.
Variant type: single nucleotide variant.
Coding change: c.1397T>A on transcript NM_006514.4 (MANE Select); coding-DNA position 1397, T replaced by A.
Protein change: p.Val466Glu; replaces valine 466 with glutamic acid.
Molecular consequence: missense variant.
Genome position (GRCh38, 1-based): chr3:38,755,852, A>T on the plus strand (T>A on the coding strand, the complement: SCN10A is on the minus strand). VCF-style: chr3-38755852-A-T. GRCh37 (hg19) VCF-style: chr3-38797343-A-T.
Other names: c.1397T>A, p.Val466Glu (NM_001293306.2, NM_001293307.2); short protein forms V466E.
Identifiers: ClinVar variation 1771663 (VCV001771663.2), dbSNP rs764168768, ClinGen allele CA352168891.

ClinVar aggregate classification (germline): Uncertain significance (1 of 4 stars; one submission).

Conditions:
Cardiovascular phenotype. Identifiers: MedGen CN230736.

Submission:

Ambry Genetics
Classification: Uncertain significance for Cardiovascular phenotype. Last evaluated: 2021-06-09. Review status: criteria provided, single submitter. Criteria: Ambry Variant Classification Scheme 2023. Collection method: clinical testing. Allele origin: germline.
Comment: The p.V466E variant (also known as c.1397T>A), located in coding exon 10 of the SCN10A gene, results from a T to A substitution at nucleotide position 1397. The valine at codon 466 is replaced by glutamic acid, an amino acid with dissimilar properties. This amino acid position is not well conserved in available vertebrate species. In addition, the in silico prediction for this alteration is inconclusive. Since supporting evidence is limited at this time, the clinical significance of this alteration remains unclear.